The following is an entry in ClinVar:

ClinVar aggregate classification (germline): Uncertain significance (1 of 4 stars; one submission).

Allele frequency attached by ClinVar (database versions not stated): ExAC 0.00005.
gnomAD v4.1: 19 of 1,614,070 alleles (0.0012%); highest among the groups gnomAD compares: East Asian, 0.013%; no homozygotes.

Submission:

Labcorp Genetics (formerly Invitae), Labcorp
Classification: Uncertain significance. Last evaluated: 2025-07-23. Review status: criteria provided, single submitter. Criteria: Invitae Variant Classification Sherloc (09022015). Collection method: clinical testing. Allele origin: germline.
Comment: This sequence change replaces arginine, which is basic and polar, with glutamine, which is neutral and polar, at codon 619 of the NCSTN protein (p.Arg619Gln). This variant is present in population databases (rs201152756, gnomAD 0.03%). This variant has not been reported in the literature in individuals affected with NCSTN-related conditions. ClinVar contains an entry for this variant (Variation ID: 1497562). Invitae Evidence Modeling of protein sequence and biophysical properties (such as structural, functional, and spatial information, amino acid conservation, physicochemical variation, residue mobility, and thermodynamic stability) indicates that this missense variant is not expected to disrupt NCSTN protein function with a negative predictive value of 80%. Algorithms developed to predict the effect of sequence changes on RNA splicing suggest that this variant may create or strengthen a splice site. In summary, the available evidence is currently insufficient to determine the role of this variant in disease. Therefore, it has been classified as a Variant of Uncertain Significance.

NM_015331.3(NCSTN):c.1856G>A (p.Arg619Gln)

Gene: NCSTN (nicastrin; plus strand). Cytogenetic location: 1q23.2.
Variant type: single nucleotide variant.
Coding change: c.1856G>A on transcript NM_015331.3 (MANE Select); coding-DNA position 1856, G replaced by A.
Protein change: p.Arg619Gln; replaces arginine 619 with glutamine.
Molecular consequence: missense variant. On other transcripts: intron variant (1).
Genome position (GRCh38, 1-based): chr1:160,357,102, G>A. VCF-style: chr1-160357102-G-A. GRCh37 (hg19) VCF-style: chr1-160326892-G-A.
Other names: c.1796G>A, p.Arg599Gln (NM_001290184.2); c.1442G>A, p.Arg481Gln (NM_001290186.2); c.1794+348G>A (NM_001349729.2); short protein forms R599Q, R481Q, R619Q.
Identifiers: ClinVar variation 1497562 (VCV001497562.8), dbSNP rs201152756, ClinGen allele CA1199127.